The following is an entry in ClinVar:

NM_024426.6(WT1):c.1297T>G (p.Cys433Gly)

Gene: WT1 (WT1 transcription factor; minus strand). Cytogenetic location: 11p13.
Variant type: single nucleotide variant.
Coding change: c.1297T>G on transcript NM_024426.6 (MANE Select); coding-DNA position 1297, T replaced by G.
Protein change: p.Cys433Gly; replaces cysteine 433 with glycine.
Molecular consequence: missense variant. On other transcripts: non-coding transcript variant (1).
Genome position (GRCh38, 1-based): chr11:32,392,723, A>C on the plus strand (T>G on the coding strand, the complement: WT1 is on the minus strand). VCF-style: chr11-32392723-A-C. GRCh37 (hg19) VCF-style: chr11-32414269-A-C.
Other names: WT1, CYS360GLY; c.1246T>G, p.Cys416Gly (NM_000378.6, NM_001407045.1, NM_001407049.1); c.646T>G, p.Cys216Gly (NM_001198551.2); c.595T>G, p.Cys199Gly (NM_001198552.2); c.109T>G, p.Cys37Gly (NM_001367854.1); c.1291T>G, p.Cys431Gly (NM_001407044.1); c.1297T>G, p.Cys433Gly (NM_001407046.1, NM_024424.5); c.1174T>G, p.Cys392Gly (NM_001407047.1); and 3 more; short protein forms C216G, C199G, C37G, C433G, C416G, C179G, C392G, C431G.
Identifiers: ClinVar variation 3496 (VCV000003496.8), dbSNP rs121907905, ClinGen allele CA016265.

ClinVar aggregate classification (germline): Likely pathogenic. Review status: criteria provided, single submitter (1 of 4 stars). 2 submissions from 2 submitters: Likely pathogenic (1). 1 of the submissions does not count toward it. Last evaluated 2022-04-11.

Conditions:
Frasier syndrome. Identifiers: Orphanet 347, MedGen C0950122, MeSH D052159, MONDO:0007635, OMIM 136680.
Wilms tumor 1 (WT1). Also called: Wilms tumor, somatic. Identifiers: Orphanet 654, MedGen CN033288, MONDO:0008679, OMIM 194070.
11p partial monosomy syndrome (WAGR). Also called: CHROMOSOME 11p13 DELETION SYNDROME; WAGR Complex; WAGR syndrome; WAGR Spectrum Disorder. Identifiers: Orphanet 893, MedGen C0206115, MONDO:0008681, OMIM 194072.
Drash syndrome (DDS). Also called: NEPHROPATHY, WILMS TUMOR, AND GENITAL ANOMALIES; WILMS TUMOR AND PSEUDO- OR TRUE HERMAPHRODITISM. Identifiers: Orphanet 220, MedGen C0950121, MONDO:0008682, OMIM 194080.

Submissions (2):

Labcorp Genetics (formerly Invitae), Labcorp
Classification: Likely pathogenic for Wilms tumor 1; Drash syndrome; 11p partial monosomy syndrome; Frasier syndrome. Last evaluated: 2022-04-11. Review status: criteria provided, single submitter. Criteria: Invitae Variant Classification Sherloc (09022015). Collection method: clinical testing. Allele origin: germline.
Comment: This sequence change replaces cysteine, which is neutral and slightly polar, with glycine, which is neutral and non-polar, at codon 428 of the WT1 protein (p.Cys428Gly). This variant is not present in population databases (gnomAD no frequency). This missense change has been observed in individuals with clinical features of WT1-related conditions (PMID: 8388765; Invitae). This variant is also known as C360G. ClinVar contains an entry for this variant (Variation ID: 3496). Algorithms developed to predict the effect of missense changes on protein structure and function (SIFT, PolyPhen-2, Align-GVGD) all suggest that this variant is likely to be disruptive. This variant disrupts the p.Cys428 amino acid residue in WT1. Other variant(s) that disrupt this residue have been observed in individuals with WT1-related conditions (PMID: 8411073, 20595692, 30963316; Invitae), which suggests that this may be a clinically significant amino acid residue. In summary, the currently available evidence indicates that the variant is pathogenic, but additional data are needed to prove that conclusively. Therefore, this variant has been classified as Likely Pathogenic.

OMIM
Classification: Pathogenic for DENYS-DRASH SYNDROME. Last evaluated: 2016-10-18. Review status: no assertion criteria provided. Collection method: literature only. Allele origin: germline. Not counted in ClinVar's aggregate classification.

Literature cited by the submitters: PubMed 8388765 (cited by Labcorp Genetics (formerly Invitae), Labcorp); PubMed 8411073 (cited by Labcorp Genetics (formerly Invitae), Labcorp); PubMed 20595692 (cited by Labcorp Genetics (formerly Invitae), Labcorp); PubMed 30963316 (cited by Labcorp Genetics (formerly Invitae), Labcorp); PubMed 9090524 (cited by OMIM).